The following is an entry in ClinVar:

ClinVar aggregate classification (germline): Uncertain significance (1 of 4 stars; one submission).

Allele frequency attached by ClinVar (database versions not stated): gnomAD exomes below 0.00001.
gnomAD v4.1: 1 of 1,614,156 alleles (0.000062%); highest among the groups gnomAD compares: South Asian, 0.0011%; no homozygotes.

Submission:

Ambry Genetics
Classification: Uncertain significance. Last evaluated: 2022-12-26. Review status: criteria provided, single submitter. Criteria: Ambry Variant Classification Scheme 2023. Collection method: clinical testing. Allele origin: germline.
Comment: The p.A1202V variant (also known as c.3605C>T), located in coding exon 17 of the NPAT gene, results from a C to T substitution at nucleotide position 3605. The alanine at codon 1202 is replaced by valine, an amino acid with similar properties. This amino acid position is conserved. In addition, this alteration is predicted to be tolerated by in silico analysis. Since supporting evidence is limited at this time, the clinical significance of this alteration remains unclear.

NM_002519.3(NPAT):c.3605C>T (p.Ala1202Val)

Gene: NPAT (nuclear protein, coactivator of histone transcription; minus strand). Cytogenetic location: 11q22.3.
Variant type: single nucleotide variant.
Coding change: c.3605C>T on transcript NM_002519.3 (MANE Select); coding-DNA position 3605, C replaced by T.
Protein change: p.Ala1202Val; replaces alanine 1202 with valine.
Molecular consequence: missense variant.
Genome position (GRCh38, 1-based): chr11:108,161,481, G>A on the plus strand (C>T on the coding strand, the complement: NPAT is on the minus strand). VCF-style: chr11-108161481-G-A. GRCh37 (hg19) VCF-style: chr11-108032208-G-A.
Other names: c.3626C>T, p.Ala1209Val (NM_001321307.1); short protein forms A1202V, A1209V.
Identifiers: ClinVar variation 2447443 (VCV002447443.2), dbSNP rs900722116, ClinGen allele CA228373758.